The following is an entry in ClinVar:

NM_001083614.2(EARS2):c.1234C>T (p.Arg412Cys)

Gene: EARS2 (glutamyl-tRNA synthetase 2, mitochondrial; minus strand). Cytogenetic location: 16p12.2.
Variant type: single nucleotide variant.
Coding change: c.1234C>T on transcript NM_001083614.2 (MANE Select); coding-DNA position 1234, C replaced by T.
Protein change: p.Arg412Cys; replaces arginine 412 with cysteine.
Molecular consequence: missense variant. On other transcripts: non-coding transcript variant (1).
Genome position (GRCh38, 1-based): chr16:23,529,620, G>A on the plus strand (C>T on the coding strand, the complement: EARS2 is on the minus strand). VCF-style: chr16-23529620-G-A. GRCh37 (hg19) VCF-style: chr16-23540941-G-A.
Other names: c.1234C>T, p.Arg412Cys (NM_001308211.1); short protein forms R412C.
Identifiers: ClinVar variation 870561 (VCV000870561.20), dbSNP rs549058278, ClinGen allele CA7962373.

ClinVar aggregate classification (germline): Conflicting classifications of pathogenicity. Review status: criteria provided, conflicting classifications (1 of 4 stars). 3 submissions from 3 submitters: Likely pathogenic (1); Uncertain significance (1). 1 of the submissions does not count toward it. Last evaluated 2025-11-25.

Conditions:
Leukoencephalopathy-thalamus and brainstem anomalies-high lactate syndrome. Also called: Combined oxidative phosphorylation deficiency 12; LEUKOENCEPHALOPATHY WITH THALAMUS AND BRAINSTEM INVOLVEMENT AND HIGH LACTATE. Identifiers: Orphanet 314051, MedGen C4706421, MONDO:0013971, OMIM 614924.

Allele frequency attached by ClinVar (database versions not stated): gnomAD 0.00001; gnomAD exomes 0.00001 and 0.00002; TOPMed 0.00001; ExAC 0.00002; 1000 Genomes Project 0.00020; 1000 Genomes Project 30x 0.00031.
gnomAD v4.1: 20 of 1,614,028 alleles (0.0012%); highest among the groups gnomAD compares: East Asian, 0.0022%; no homozygotes.

Submissions (3):

Labcorp Genetics (formerly Invitae), Labcorp
Classification: Likely pathogenic. Last evaluated: 2025-11-25. Review status: criteria provided, single submitter. Criteria: Invitae Variant Classification Sherloc (09022015). Collection method: clinical testing. Allele origin: germline.
Comment: This sequence change replaces arginine, which is basic and polar, with cysteine, which is neutral and slightly polar, at codon 412 of the EARS2 protein (p.Arg412Cys). This variant is present in population databases (rs549058278, gnomAD 0.007%). This missense change has been observed in individual(s) with EARS2-related conditions (PMID: 27117034, 31665838, 33972171, 37597066, 38129218). In at least one individual the data is consistent with being in trans (on the opposite chromosome) from a pathogenic variant. ClinVar contains an entry for this variant (Variation ID: 870561). Invitae Evidence Modeling of protein sequence and biophysical properties (such as structural, functional, and spatial information, amino acid conservation, physicochemical variation, residue mobility, and thermodynamic stability) has been performed for this missense variant. However, the output from this modeling did not meet the statistical confidence thresholds required to predict the impact of this variant on EARS2 protein function. This variant disrupts the p.Arg412 amino acid residue in EARS2. Other variant(s) that disrupt this residue have been observed in individuals with EARS2-related conditions (PMID: 38465286), which suggests that this may be a clinically significant amino acid residue. In summary, the currently available evidence indicates that the variant is pathogenic, but additional data are needed to prove that conclusively. Therefore, this variant has been classified as Likely Pathogenic.

CeGaT Center for Human Genetics Tuebingen
Classification: Uncertain significance. Last evaluated: 2024-12-01. Review status: criteria provided, single submitter. Criteria: CeGaT Center For Human Genetics Tuebingen Variant Classification Criteria Version 2. Collection method: clinical testing. Allele origin: germline. Affected: yes. Observed: 1 variant allele.
Comment: EARS2: PM2, PM3, PM5, BP4, BS2

Myelin Disorders Clinic-Children's Medical Center/Medical Genetics Lab-Tarbiat Modares University, Children's Medical Center, Pediatrics Center of Excellence,
Classification: Uncertain significance for Leukoencephalopathy-thalamus and brainstem anomalies-high lactate syndrome. Review status: no assertion criteria provided. Collection method: clinical testing. Allele origin: inherited. Inheritance: Autosomal recessive inheritance. Affected: yes. Not counted in ClinVar's aggregate classification.

Literature cited by the submitters: PubMed 27117034 (cited by Labcorp Genetics (formerly Invitae), Labcorp); PubMed 31665838 (cited by Labcorp Genetics (formerly Invitae), Labcorp); PubMed 33972171 (cited by Labcorp Genetics (formerly Invitae), Labcorp); PubMed 37597066 (cited by Labcorp Genetics (formerly Invitae), Labcorp); PubMed 38129218 (cited by Labcorp Genetics (formerly Invitae), Labcorp); PubMed 38465286 (cited by Labcorp Genetics (formerly Invitae), Labcorp).